The following is an entry in ClinVar:

NM_004815.4(ARHGAP29):c.1252G>A (p.Val418Ile)

Gene: ARHGAP29 (Rho GTPase activating protein 29; minus strand). Cytogenetic location: 1p22.1.
Variant type: single nucleotide variant.
Coding change: c.1252G>A on transcript NM_004815.4 (MANE Select); coding-DNA position 1252, G replaced by A.
Protein change: p.Val418Ile; replaces valine 418 with isoleucine.
Molecular consequence: missense variant.
Genome position (GRCh38, 1-based): chr1:94,201,749, C>T on the plus strand (G>A on the coding strand, the complement: ARHGAP29 is on the minus strand). VCF-style: chr1-94201749-C-T. GRCh37 (hg19) VCF-style: chr1-94667305-C-T.
Other names: c.1252G>A, p.Val418Ile (NM_001328664.2, NM_001328666.2); c.1060G>A, p.Val354Ile (NM_001328665.2, NM_001328667.2); short protein forms V418I, V354I.
Identifiers: ClinVar variation 734982 (VCV000734982.5), dbSNP rs148959325, ClinGen allele CA959563.

ClinVar aggregate classification (germline): Benign. Review status: criteria provided, single submitter (1 of 4 stars). 2 submissions from 2 submitters: Benign (1). 1 of the submissions does not count toward it. Last evaluated 2018-10-23.

Conditions:
ARHGAP29-related disorder. Also called: ARHGAP29-Related Disorders; ARHGAP29-related condition.

Allele frequency attached by ClinVar (database versions not stated): 1000 Genomes Project 30x 0.00109; 1000 Genomes Project 0.00120; TOPMed 0.00143.
gnomAD v4.1: 893 of 1,613,780 alleles (0.055%); highest among the groups gnomAD compares: East Asian, 1.7%; 5 homozygotes.

Submissions (2):

Labcorp Genetics (formerly Invitae), Labcorp
Classification: Benign. Last evaluated: 2018-10-23. Review status: criteria provided, single submitter. Criteria: Invitae Variant Classification Sherloc (09022015). Collection method: clinical testing. Allele origin: germline.

PreventionGenetics, part of Exact Sciences
Classification: Benign for ARHGAP29-related condition. Last evaluated: 2019-09-10. Review status: no assertion criteria provided. Collection method: clinical testing. Allele origin: germline. Not counted in ClinVar's aggregate classification.
Comment: This variant is classified as benign based on ACMG/AMP sequence variant interpretation guidelines (Richards et al. 2015 PMID: 25741868, with internal and published modifications).